The following is an entry in ClinVar:

ClinVar aggregate classification (germline): Uncertain significance. Review status: criteria provided, multiple submitters, no conflicts (2 of 4 stars). 3 submissions from 3 submitters: Uncertain significance (3). Last evaluated 2024-11-07.

Conditions:
Hajdu-Cheney syndrome (HJCYS). Also called: SERPENTINE FIBULA-POLYCYSTIC KIDNEY SYNDROME; ACROOSTEOLYSIS WITH OSTEOPOROSIS AND CHANGES IN SKULL AND MANDIBLE; Acroosteolysis dominant type. Identifiers: Orphanet 955, MedGen C0917715, MONDO:0007057, OMIM 102500.
Alagille syndrome due to a NOTCH2 point mutation. Also called: Alagille syndrome 2. Identifiers: Orphanet 261629, Orphanet 52, MedGen C1857761, MONDO:0012439, OMIM 610205.

Allele frequency attached by ClinVar (database versions not stated): ExAC 0.00002; gnomAD 0.00002 and 0.00003; TOPMed 0.00006; gnomAD exomes 0.00008 and 0.00005; 1000 Genomes Project 30x 0.00016; 1000 Genomes Project 0.00020.
gnomAD v4.1: 126 of 1,614,160 alleles (0.0078%); highest among the groups gnomAD compares: Non-Finnish European, 0.01%; no homozygotes.

Submissions (3):

Labcorp Genetics (formerly Invitae), Labcorp
Classification: Uncertain significance for Hajdu-Cheney syndrome. Last evaluated: 2024-11-07. Review status: criteria provided, single submitter. Criteria: Invitae Variant Classification Sherloc (09022015). Collection method: clinical testing. Allele origin: germline.
Comment: This sequence change replaces arginine, which is basic and polar, with glutamine, which is neutral and polar, at codon 1719 of the NOTCH2 protein (p.Arg1719Gln). This variant is present in population databases (rs587737953, gnomAD 0.009%). This missense change has been observed in individual(s) with clinical features of NOTCH2-related conditions (PMID: 28566479). ClinVar contains an entry for this variant (Variation ID: 501462). Invitae Evidence Modeling of protein sequence and biophysical properties (such as structural, functional, and spatial information, amino acid conservation, physicochemical variation, residue mobility, and thermodynamic stability) indicates that this missense variant is not expected to disrupt NOTCH2 protein function with a negative predictive value of 80%. In summary, the available evidence is currently insufficient to determine the role of this variant in disease. Therefore, it has been classified as a Variant of Uncertain Significance.

Fulgent Genetics
Classification: Uncertain significance for Hajdu-Cheney syndrome; Alagille syndrome due to a NOTCH2 point mutation. Last evaluated: 2022-04-27. Review status: criteria provided, single submitter. Criteria: ACMG Guidelines, 2015. Collection method: clinical testing. Allele origin: unknown.

Eurofins Ntd Llc (ga)
Classification: Uncertain significance. Last evaluated: 2017-04-14. Review status: criteria provided, single submitter. Criteria: EGL Classification Definitions 2015. Collection method: clinical testing. Allele origin: germline. Observed: 1 variant allele, 1 heterozygote.

Literature cited by the submitters: PubMed 28566479 (cited by Labcorp Genetics (formerly Invitae), Labcorp).

NM_024408.4(NOTCH2):c.5156G>A (p.Arg1719Gln)

Gene: NOTCH2 (notch receptor 2; minus strand). Cytogenetic location: 1p12.
Variant type: single nucleotide variant.
Coding change: c.5156G>A on transcript NM_024408.4 (MANE Select); coding-DNA position 5156, G replaced by A.
Protein change: p.Arg1719Gln; replaces arginine 1719 with glutamine.
Molecular consequence: missense variant.
Genome position (GRCh38, 1-based): chr1:119,922,293, C>T on the plus strand (G>A on the coding strand, the complement: NOTCH2 is on the minus strand). VCF-style: chr1-119922293-C-T. GRCh37 (hg19) VCF-style: chr1-120464916-C-T.
Other names: short protein forms R1719Q.
Identifiers: ClinVar variation 501462 (VCV000501462.13), dbSNP rs587737953, ClinGen allele CA1039710.